The following is an entry in ClinVar:

NM_000158.4(GBE1):c.791G>C (p.Gly264Ala)

Gene: GBE1 (1,4-alpha-glucan branching enzyme 1; minus strand). Cytogenetic location: 3p12.2.
Variant type: single nucleotide variant.
Coding change: c.791G>C on transcript NM_000158.4 (MANE Select); coding-DNA position 791, G replaced by C.
Protein change: p.Gly264Ala; replaces glycine 264 with alanine.
Molecular consequence: missense variant.
Genome position (GRCh38, 1-based): chr3:81,642,982, C>G on the plus strand (G>C on the coding strand, the complement: GBE1 is on the minus strand). VCF-style: chr3-81642982-C-G. GRCh37 (hg19) VCF-style: chr3-81692133-C-G.
Other names: short protein forms G264A.
Identifiers: ClinVar variation 2949600 (VCV002949600.3), dbSNP rs754525424, ClinGen allele CA353687571.

ClinVar aggregate classification (germline): Likely pathogenic (1 of 4 stars; one submission).

Conditions:
Glycogen storage disease, type IV (GSD4). Also called: AMYLOPECTINOSIS; ANDERSEN DISEASE; BRANCHER DEFICIENCY; CIRRHOSIS, FAMILIAL, WITH DEPOSITION OF ABNORMAL GLYCOGEN; GBE1 DEFICIENCY; GLYCOGEN BRANCHING ENZYME DEFICIENCY. Identifiers: Orphanet 367, MedGen C0017923, MONDO:0009292, OMIM 232500.
Glycogen storage disease IV, classic hepatic. Also called: GSD IV, CLASSIC HEPATIC. Identifiers: MedGen C1856301.

Submission:

Labcorp Genetics (formerly Invitae), Labcorp
Classification: Likely pathogenic for Glycogen storage disease, type IV; Glycogen storage disease IV, classic hepatic. Last evaluated: 2023-07-07. Review status: criteria provided, single submitter. Criteria: Invitae Variant Classification Sherloc (09022015). Collection method: clinical testing. Allele origin: germline.
Comment: This variant disrupts the p.Gly264 amino acid residue in GBE1. Other variant(s) that disrupt this residue have been determined to be pathogenic (PMID: 20479904, 30345254). This suggests that this residue is clinically significant, and that variants that disrupt this residue are likely to be disease-causing. Advanced modeling of protein sequence and biophysical properties (such as structural, functional, and spatial information, amino acid conservation, physicochemical variation, residue mobility, and thermodynamic stability) performed at Invitae indicates that this missense variant is expected to disrupt GBE1 protein function. This variant has not been reported in the literature in individuals affected with GBE1-related conditions. This variant is not present in population databases (gnomAD no frequency). This sequence change replaces glycine, which is neutral and non-polar, with alanine, which is neutral and non-polar, at codon 264 of the GBE1 protein (p.Gly264Ala). In summary, the currently available evidence indicates that the variant is pathogenic, but additional data are needed to prove that conclusively. Therefore, this variant has been classified as Likely Pathogenic.

Literature cited by the submitters: PubMed 20479904; PubMed 30345254.